The following is an entry in ClinVar:

ClinVar aggregate classification (germline): Uncertain significance (1 of 4 stars; one submission).

Conditions:
Gastrointestinal stromal tumor. Also called: Gastrointestinal stromal tumor, somatic; Gastrointestinal stroma tumor. Identifiers: Orphanet 44890, MedGen C0238198, MeSH D046152, MONDO:0011719, OMIM 606764, HP:0100723.

Submission:

Labcorp Genetics (formerly Invitae), Labcorp
Classification: Uncertain significance for Gastrointestinal stromal tumor. Last evaluated: 2024-03-06. Review status: criteria provided, single submitter. Criteria: Invitae Variant Classification Sherloc (09022015). Collection method: clinical testing. Allele origin: germline.
Comment: This sequence change replaces leucine, which is neutral and non-polar, with phenylalanine, which is neutral and non-polar, at codon 507 of the PDGFRA protein (p.Leu507Phe). This variant is not present in population databases (gnomAD no frequency). This variant has not been reported in the literature in individuals affected with PDGFRA-related conditions. ClinVar contains an entry for this variant (Variation ID: 1035742). Advanced modeling of protein sequence and biophysical properties (such as structural, functional, and spatial information, amino acid conservation, physicochemical variation, residue mobility, and thermodynamic stability) performed at Invitae indicates that this missense variant is not expected to disrupt PDGFRA protein function with a negative predictive value of 80%. In summary, the available evidence is currently insufficient to determine the role of this variant in disease. Therefore, it has been classified as a Variant of Uncertain Significance.

NM_006206.6(PDGFRA):c.1519C>T (p.Leu507Phe)

Gene: PDGFRA (platelet derived growth factor receptor alpha; plus strand). Cytogenetic location: 4q12.
Variant type: single nucleotide variant.
Coding change: c.1519C>T on transcript NM_006206.6 (MANE Select); coding-DNA position 1519, C replaced by T.
Protein change: p.Leu507Phe; replaces leucine 507 with phenylalanine.
Molecular consequence: missense variant.
Genome position (GRCh38, 1-based): chr4:54,273,691, C>T. VCF-style: chr4-54273691-C-T. GRCh37 (hg19) VCF-style: chr4-55139858-C-T.
Other names: c.1519C>T, p.Leu507Phe (NM_001347827.2, NM_001347829.2); c.1594C>T, p.Leu532Phe (NM_001347828.2); c.1558C>T, p.Leu520Phe (NM_001347830.2); short protein forms L507F, L520F, L532F.
Identifiers: ClinVar variation 1035742 (VCV001035742.9), dbSNP rs1723543383, ClinGen allele CA356892733.